The following is an entry in ClinVar:

NM_000211.5(ITGB2):c.1413-8G>A

Gene: ITGB2 (integrin subunit beta 2; minus strand). Cytogenetic location: 21q22.3.
Variant type: single nucleotide variant.
Coding change: c.1413-8G>A on transcript NM_000211.5 (MANE Select); 8 bases into the intron before coding-DNA position 1413, G replaced by A.
Molecular consequence: intron variant.
Genome position (GRCh38, 1-based): chr21:44,890,230, C>T on the plus strand (G>A on the coding strand, the complement: ITGB2 is on the minus strand). VCF-style: chr21-44890230-C-T. GRCh37 (hg19) VCF-style: chr21-46310145-C-T.
Other names: p.?; c.1413-8G>A (NM_001127491.3, LRG_76t1); c.1206-8G>A (NM_001303238.2).
Identifiers: ClinVar variation 340153 (VCV000340153.18), dbSNP rs375743879, ClinGen allele CA10062812.

ClinVar aggregate classification (germline): Conflicting classifications of pathogenicity. Review status: criteria provided, conflicting classifications (1 of 4 stars). 4 submissions from 4 submitters: Uncertain significance (1); Likely benign (3). Last evaluated 2026-02-01.

Conditions:
Leukocyte adhesion deficiency 1 (LAD1). Also called: LEUKOCYTE ADHESION DEFICIENCY, TYPE I; LAD 1; Lymphocyte function-associated antigen 1 immunodeficiency; LFA 1 immunodeficiency. Identifiers: Orphanet 2968, Orphanet 99842, MedGen C0398738, MONDO:0007293, OMIM 116920.

Allele frequency attached by ClinVar (database versions not stated): 1000 Genomes Project 30x 0.00031; gnomAD 0.00046 and 0.00048; TOPMed 0.00048; gnomAD exomes 0.00059; ESP Exome Variant Server 0.00062; ExAC 0.00086.
gnomAD v4.1: 930 of 1,612,944 alleles (0.058%); highest among the groups gnomAD compares: Non-Finnish European, 0.071%; no homozygotes.

Submissions (4):

Labcorp Genetics (formerly Invitae), Labcorp
Classification: Likely benign for Leukocyte adhesion deficiency 1. Last evaluated: 2026-02-01. Review status: criteria provided, single submitter. Criteria: Invitae Variant Classification Sherloc (09022015). Collection method: clinical testing. Allele origin: germline.

Mayo Clinic Laboratories, Mayo Clinic
Classification: Likely benign. Last evaluated: 2025-05-22. Review status: criteria provided, single submitter. Criteria: ACMG Guidelines, 2015. Collection method: clinical testing. Allele origin: germline. Observed: 1 variant allele.
Comment: BP4, BP7

Blueprint Genetics
Classification: Likely benign. Last evaluated: 2024-09-12. Review status: criteria provided, single submitter. Criteria: ACMG Guidelines, 2015. Collection method: clinical testing. Allele origin: germline.

Illumina Laboratory Services, Illumina
Classification: Uncertain significance for Leukocyte adhesion deficiency 1. Last evaluated: 2018-01-13. Review status: criteria provided, single submitter. Criteria: ICSL Variant Classification Criteria 13 December 2019. Collection method: clinical testing. Allele origin: germline.